The following is an entry in ClinVar:

NM_032119.4(ADGRV1):c.14953C>T (p.Pro4985Ser)

Gene: ADGRV1 (adhesion G protein-coupled receptor V1; plus strand). Cytogenetic location: 5q14.3.
Variant type: single nucleotide variant.
Coding change: c.14953C>T on transcript NM_032119.4 (MANE Select); coding-DNA position 14953, C replaced by T.
Protein change: p.Pro4985Ser; replaces proline 4985 with serine.
Molecular consequence: missense variant. On other transcripts: non-coding transcript variant (1).
Genome position (GRCh38, 1-based): chr5:90,807,718, C>T. VCF-style: chr5-90807718-C-T. GRCh37 (hg19) VCF-style: chr5-90103535-C-T.
Other names: short protein forms P4985S.
Identifiers: ClinVar variation 5008564 (VCV005008564.1).

ClinVar aggregate classification (germline): Uncertain significance (1 of 4 stars; one submission).

gnomAD v4.1: 1 of 1,562,446 alleles (0.000064%); highest among the groups gnomAD compares: East Asian, 0.0023%; no homozygotes.

Submission:

GeneDx
Classification: Uncertain significance. Last evaluated: 2026-02-13. Review status: criteria provided, single submitter. Criteria: GeneDx Variant Classification Process June 2021. Collection method: clinical testing. Allele origin: germline.
Comment: Not observed at significant frequency in large population cohorts (gnomAD); In silico analysis suggests that this missense variant does not alter protein structure/function; Has not been previously published as pathogenic or benign to our knowledge